The following is an entry in ClinVar:

ClinVar aggregate classification (germline): Uncertain significance (1 of 4 stars; one submission).

Conditions:
Cystic fibrosis (CF). Also called: MUCOVISCIDOSIS. Identifiers: Orphanet 586, MedGen C0010674, MONDO:0009061, OMIM 219700. Disease mechanism: loss of function.

Submission:

Ambry Genetics
Classification: Uncertain significance for Cystic fibrosis. Last evaluated: 2026-03-29. Review status: criteria provided, single submitter. Criteria: Ambry Variant Classification Scheme 2023. Collection method: clinical testing. Allele origin: germline.
Comment: The p.I255S variant (also known as c.764T>G), located in coding exon 7 of the CFTR gene, results from a T to G substitution at nucleotide position 764. The isoleucine at codon 255 is replaced by serine, an amino acid with dissimilar properties. This amino acid position is conserved. In addition, this alteration is predicted to be deleterious by in silico analysis. Based on the available evidence, the clinical significance of this variant remains unclear.

NM_000492.4(CFTR):c.764T>G (p.Ile255Ser)

Gene: CFTR (CF transmembrane conductance regulator; plus strand). Cytogenetic location: 7q31.2.
Variant type: single nucleotide variant.
Coding change: c.764T>G on transcript NM_000492.4 (MANE Select); coding-DNA position 764, T replaced by G.
Protein change: p.Ile255Ser; replaces isoleucine 255 with serine.
Molecular consequence: missense variant.
Genome position (GRCh38, 1-based): chr7:117,536,568, T>G. VCF-style: chr7-117536568-T-G. GRCh37 (hg19) VCF-style: chr7-117176622-T-G.
Other names: short protein forms I255S.
Identifiers: ClinVar variation 4868826 (VCV004868826.1).
Genomic context (GRCh38, chr7:117,536,568, plus strand): 5'-ACTATTAGATTGATTGATTGATTGATTGATTGATTTACAGAGATCAGAGAGCTGGGAAGA[T>G]CAGTGAAAGACTTGTGATTACCTCAGAAATGATTGAAAATATCCAATCTGTTAAGGCATA-3'
Protein context (NP_000483.3, residues 245-265): MKYRDQRAGK[Ile255Ser]SERLVITSEM